The following is an entry in ClinVar:

NM_153240.5(NPHP3):c.2389A>G (p.Thr797Ala)

Genes: NPHP3 (nephrocystin 3; minus strand), NPHP3-ACAD11 (NPHP3-ACAD11 readthrough (NMD candidate); minus strand). Cytogenetic location: 3q22.1.
Variant type: single nucleotide variant.
Coding change: c.2389A>G on transcript NM_153240.5 (MANE Select); coding-DNA position 2389, A replaced by G.
Protein change: p.Thr797Ala; replaces threonine 797 with alanine.
Molecular consequence: missense variant. On other transcripts: non-coding transcript variant (1).
Genome position (GRCh38, 1-based): chr3:132,692,740, T>C on the plus strand (A>G on the coding strand, the complement: NPHP3 is on the minus strand). VCF-style: chr3-132692740-T-C. GRCh37 (hg19) VCF-style: chr3-132411584-T-C.
Other names: short protein forms T797A.
Identifiers: ClinVar variation 1402433 (VCV001402433.6), dbSNP rs1215241671, ClinGen allele CA354581421.

ClinVar aggregate classification (germline): Uncertain significance (1 of 4 stars; one submission).

Conditions:
Nephronophthisis. Also called: Juvenile Nephronophthisis. Identifiers: Orphanet 655, MedGen C0687120, MONDO:0019005, HP:0000090.

Submission:

Labcorp Genetics (formerly Invitae), Labcorp
Classification: Uncertain significance for Nephronophthisis. Last evaluated: 2021-09-10. Review status: criteria provided, single submitter. Criteria: Invitae Variant Classification Sherloc (09022015). Collection method: clinical testing. Allele origin: germline.
Comment: This sequence change replaces threonine with alanine at codon 797 of the NPHP3 protein (p.Thr797Ala). The threonine residue is weakly conserved and there is a small physicochemical difference between threonine and alanine. This variant is not present in population databases (ExAC no frequency). This variant has not been reported in the literature in individuals affected with NPHP3-related conditions. Algorithms developed to predict the effect of missense changes on protein structure and function output the following: SIFT: "Tolerated"; PolyPhen-2: "Benign"; Align-GVGD: "Class C0". The alanine amino acid residue is found in multiple mammalian species, which suggests that this missense change does not adversely affect protein function. In summary, the available evidence is currently insufficient to determine the role of this variant in disease. Therefore, it has been classified as a Variant of Uncertain Significance.